The following is an entry in ClinVar:

ClinVar aggregate classification (germline): Uncertain significance (1 of 4 stars; one submission).

Submission:

Dasa
Classification: Uncertain significance. Last evaluated: 2025-07-07. Review status: criteria provided, single submitter. Criteria: DASA Assertion Criteria. Collection method: clinical testing. Allele origin: germline.
Comment: NM_001854.4(COL11A1):c.3296G>C (p.Gly1099Ala) is a missense variant that results in the substitution of glycine with alanine. This variant is absent from population databases. Computational prediction algorithms are consistent with a deleterious effect. The currently available literature and clinical evidence are not sufficient to establish a definitive association between this variant and the reported condition. Therefore, this variant is classified as a variant of uncertain significance.

NM_001854.4(COL11A1):c.3296G>C (p.Gly1099Ala)

Gene: COL11A1 (collagen type XI alpha 1 chain; minus strand). Cytogenetic location: 1p21.1.
Variant type: single nucleotide variant.
Coding change: c.3296G>C on transcript NM_001854.4 (MANE Select); coding-DNA position 3296, G replaced by C.
Protein change: p.Gly1099Ala; replaces glycine 1099 with alanine.
Molecular consequence: missense variant. On other transcripts: non-coding transcript variant (1).
Genome position (GRCh38, 1-based): chr1:102,940,415, C>G on the plus strand (G>C on the coding strand, the complement: COL11A1 is on the minus strand). VCF-style: chr1-102940415-C-G. GRCh37 (hg19) VCF-style: chr1-103405971-C-G.
Other names: c.3179G>C, p.Gly1060Ala (NM_001190709.2); c.3332G>C, p.Gly1111Ala (NM_080629.3); c.2948G>C, p.Gly983Ala (NM_080630.4); short protein forms G1060A, G1099A, G1111A, G983A.
Identifiers: ClinVar variation 4885240 (VCV004885240.2).